The following is an entry in ClinVar:

ClinVar aggregate classification (germline): Uncertain significance (1 of 4 stars; one submission).

Conditions:
Congenital contractural arachnodactyly (CCA). Also called: Arthrogryposis, distal, type 9; BEALS SYNDROME; Beals-Hecht syndrome. Identifiers: Orphanet 115, MedGen C0220668, MONDO:0007363, OMIM 121050.

gnomAD v4.1: 1 of 1,614,090 alleles (0.000062%); highest among the groups gnomAD compares: Non-Finnish European, 0.000085%; no homozygotes.

Submission:

Labcorp Genetics (formerly Invitae), Labcorp
Classification: Uncertain significance for Congenital contractural arachnodactyly. Last evaluated: 2024-07-19. Review status: criteria provided, single submitter. Criteria: Invitae Variant Classification Sherloc (09022015). Collection method: clinical testing. Allele origin: germline.
Comment: This sequence change replaces arginine, which is basic and polar, with glycine, which is neutral and non-polar, at codon 2636 of the FBN2 protein (p.Arg2636Gly). This variant is not present in population databases (gnomAD no frequency). This variant has not been reported in the literature in individuals affected with FBN2-related conditions. Advanced modeling of protein sequence and biophysical properties (such as structural, functional, and spatial information, amino acid conservation, physicochemical variation, residue mobility, and thermodynamic stability) has been performed at Invitae for this missense variant, however the output from this modeling did not meet the statistical confidence thresholds required to predict the impact of this variant on FBN2 protein function. In summary, the available evidence is currently insufficient to determine the role of this variant in disease. Therefore, it has been classified as a Variant of Uncertain Significance.

NM_001999.4(FBN2):c.7906A>G (p.Arg2636Gly)

Gene: FBN2 (fibrillin 2; minus strand). Cytogenetic location: 5q23.3.
Variant type: single nucleotide variant.
Coding change: c.7906A>G on transcript NM_001999.4 (MANE Select); coding-DNA position 7906, A replaced by G.
Protein change: p.Arg2636Gly; replaces arginine 2636 with glycine.
Molecular consequence: missense variant.
Genome position (GRCh38, 1-based): chr5:128,272,053, T>C on the plus strand (A>G on the coding strand, the complement: FBN2 is on the minus strand). VCF-style: chr5-128272053-T-C. GRCh37 (hg19) VCF-style: chr5-127607745-T-C.
Other names: short protein forms R2636G.
Identifiers: ClinVar variation 3615159 (VCV003615159.2).
Genomic context (GRCh38, chr5:128,272,053, plus strand): 5'-ACTCACCGACACACTGATTCCACTGGTAGTGCTGGATGTAGCCTTGGGGGCAGCCACATC[T>C]GTAGCCACCCAGGATGTTCTGGCAGCCGTGTTGGCACCTGTGGTTCCCATCACATTCATC-3'
Protein context (NP_001990.2, residues 2626-2646): HGCQNILGGY[Arg2636Gly]CGCPQGYIQH